The following is an entry in ClinVar:

ClinVar aggregate classification (germline): Uncertain significance (1 of 4 stars; one submission).

Allele frequency attached by ClinVar (database versions not stated): ExAC 0.00002; gnomAD exomes below 0.00001; TOPMed 0.00001; gnomAD 0.00002.
gnomAD v4.1: 4 of 1,613,738 alleles (0.00025%); highest among the groups gnomAD compares: African/African-American, 0.0053%; no homozygotes.

Submission:

Labcorp Genetics (formerly Invitae), Labcorp
Classification: Uncertain significance. Last evaluated: 2025-10-29. Review status: criteria provided, single submitter. Criteria: Invitae Variant Classification Sherloc (09022015). Collection method: clinical testing. Allele origin: germline.
Comment: This sequence change replaces threonine, which is neutral and polar, with alanine, which is neutral and non-polar, at codon 539 of the LRP5 protein (p.Thr539Ala). This variant is present in population databases (rs759331617, gnomAD 0.01%). This variant has not been reported in the literature in individuals affected with LRP5-related conditions. ClinVar contains an entry for this variant (Variation ID: 2074462). Invitae Evidence Modeling of protein sequence and biophysical properties (such as structural, functional, and spatial information, amino acid conservation, physicochemical variation, residue mobility, and thermodynamic stability) indicates that this missense variant is not expected to disrupt LRP5 protein function with a negative predictive value of 95%. In summary, the available evidence is currently insufficient to determine the role of this variant in disease. Therefore, it has been classified as a Variant of Uncertain Significance.

NM_002335.4(LRP5):c.1615A>G (p.Thr539Ala)

Gene: LRP5 (LDL receptor related protein 5; plus strand). Cytogenetic location: 11q13.2.
Variant type: single nucleotide variant.
Coding change: c.1615A>G on transcript NM_002335.4 (MANE Select); coding-DNA position 1615, A replaced by G.
Protein change: p.Thr539Ala; replaces threonine 539 with alanine.
Molecular consequence: missense variant. On other transcripts: 5 prime UTR variant (1).
Genome position (GRCh38, 1-based): chr11:68,403,513, A>G. VCF-style: chr11-68403513-A-G. GRCh37 (hg19) VCF-style: chr11-68170981-A-G.
Other names: c.-323A>G (NM_001291902.2); short protein forms T539A.
Identifiers: ClinVar variation 2074462 (VCV002074462.4), dbSNP rs759331617, ClinGen allele CA6149391.